The following is an entry in ClinVar:

NM_000026.4(ADSL):c.1355G>C (p.Arg452Pro)

Gene: ADSL (adenylosuccinate lyase; plus strand). Cytogenetic location: 22q13.1.
Variant type: single nucleotide variant.
Coding change: c.1355G>C on transcript NM_000026.4 (MANE Select); coding-DNA position 1355, G replaced by C.
Protein change: p.Arg452Pro; replaces arginine 452 with proline.
Molecular consequence: missense variant. On other transcripts: non-coding transcript variant (1), intron variant (1).
Genome position (GRCh38, 1-based): chr22:40,365,043, G>C. VCF-style: chr22-40365043-G-C. GRCh37 (hg19) VCF-style: chr22-40761047-G-C.
Other names: c.1163G>C, p.Arg388Pro (NM_001317923.2); c.1355G>C, p.Arg452Pro (NM_001363840.3); c.1191+678G>C (NM_001123378.3); short protein forms R452P, R388P.
Identifiers: ClinVar variation 1502354 (VCV001502354.6), dbSNP rs775671027, ClinGen allele CA411648716.

ClinVar aggregate classification (germline): Likely pathogenic (1 of 4 stars; one submission).

Conditions:
Adenylosuccinate lyase deficiency (ADSLD). Also called: ADSL DEFICIENCY. Identifiers: Orphanet 46, MedGen C0268126, MONDO:0007068, OMIM 103050.

Submission:

Labcorp Genetics (formerly Invitae), Labcorp
Classification: Likely pathogenic for Adenylosuccinate lyase deficiency. Last evaluated: 2025-02-03. Review status: criteria provided, single submitter. Criteria: Invitae Variant Classification Sherloc (09022015). Collection method: clinical testing. Allele origin: germline.
Comment: This sequence change replaces arginine, which is basic and polar, with proline, which is neutral and non-polar, at codon 452 of the ADSL protein (p.Arg452Pro). This variant is not present in population databases (gnomAD no frequency). This missense change has been observed in individual(s) with ADSL-related conditions (PMID: 12368987). ClinVar contains an entry for this variant (Variation ID: 1502354). Invitae Evidence Modeling of protein sequence and biophysical properties (such as structural, functional, and spatial information, amino acid conservation, physicochemical variation, residue mobility, and thermodynamic stability) indicates that this missense variant is expected to disrupt ADSL protein function with a positive predictive value of 80%. In summary, the currently available evidence indicates that the variant is pathogenic, but additional data are needed to prove that conclusively. Therefore, this variant has been classified as Likely Pathogenic.

Literature cited by the submitters: PubMed 12368987.